The following is an entry in ClinVar:

NM_138295.5(PKD1L1):c.7227C>T (p.Pro2409=)

Genes: PKD1L1 (polycystin 1 like 1, transient receptor potential channel interacting; minus strand), PKD1L1-AS1 (PKD1L1 antisense RNA 1; plus strand). Cytogenetic location: 7p12.3.
Variant type: single nucleotide variant.
Coding change: c.7227C>T on transcript NM_138295.5 (MANE Select); coding-DNA position 7227, C replaced by T.
Protein change: p.Pro2409=; no amino-acid change (proline 2409 retained).
Molecular consequence: synonymous variant.
Genome position (GRCh38, 1-based): chr7:47,813,240, G>A on the plus strand (C>T on the coding strand, the complement: PKD1L1 is on the minus strand). VCF-style: chr7-47813240-G-A. GRCh37 (hg19) VCF-style: chr7-47852838-G-A.
Identifiers: ClinVar variation 3058487 (VCV003058487.2), dbSNP rs148228674, ClinGen allele CA4252072.
Genomic context (GRCh38, chr7:47,813,240, plus strand): 5'-CAGGGTCACGTTTTGGTTCTCTGGGTCTATCAGGTAGGGGTTCTCAGGGCCTCCAACTTC[G>A]GGACTACATGTAGGAATAGAGTCTTCGATGAGTGCTGAAAATGGCCTGGGAGGCTGCAGA-3'
Protein context (NP_612152.1, residues 2399-2419): LIEDSIPTCS[Pro2409=]EVGGPENPYL

ClinVar aggregate classification (germline): Likely benign (0 of 4 stars; one submission).

Conditions:
PKD1L1-related disorder. Also called: PKD1L1-related condition.

Allele frequency attached by ClinVar (database versions not stated): ExAC 0.00002; gnomAD 0.00003; gnomAD exomes 0.00003; TOPMed 0.00004; ESP Exome Variant Server 0.00008.
gnomAD v4.1: 49 of 1,613,998 alleles (0.003%); highest among the groups gnomAD compares: Admixed American, 0.013%; no homozygotes.

Submission:

PreventionGenetics, part of Exact Sciences
Classification: Likely benign for PKD1L1-related condition. Last evaluated: 2023-05-08. Review status: no assertion criteria provided. Collection method: clinical testing. Allele origin: germline.
Comment: This variant is classified as likely benign based on ACMG/AMP sequence variant interpretation guidelines (Richards et al. 2015 PMID: 25741868, with internal and published modifications).